The following is an entry in ClinVar:

ClinVar aggregate classification (germline): Uncertain significance (1 of 4 stars; one submission).

gnomAD v4.1: 1 of 1,211,862 alleles (0.000083%); highest among the groups gnomAD compares: East Asian, 0.003%; no homozygotes.

Submission:

GeneDx
Classification: Uncertain significance. Last evaluated: 2025-07-01. Review status: criteria provided, single submitter. Criteria: GeneDx Variant Classification Process June 2021. Collection method: clinical testing. Allele origin: germline. Affected: yes.
Comment: Reported in the published literature in the hemizygous state in a patient with biliary atresia (PMID: 34750413); Not observed at significant frequency in large population cohorts (gnomAD); In silico analysis suggests that this missense variant does not alter protein structure/function; This variant is associated with the following publications: (PMID: 34750413)

NM_001379150.1(IRS4):c.2835G>C (p.Trp945Cys)

Gene: IRS4 (insulin receptor substrate 4; minus strand). Cytogenetic location: Xq22.3.
Variant type: single nucleotide variant.
Coding change: c.2835G>C on transcript NM_001379150.1 (MANE Select); coding-DNA position 2835, G replaced by C.
Protein change: p.Trp945Cys; replaces tryptophan 945 with cysteine.
Molecular consequence: missense variant.
Genome position (GRCh38, 1-based): chrX:108,733,510, C>G on the plus strand (G>C on the coding strand, the complement: IRS4 is on the minus strand). VCF-style: chrX-108733510-C-G. GRCh37 (hg19) VCF-style: chrX-107976740-C-G.
Other names: c.2835G>C, p.Trp945Cys (NM_001440817.1, NM_003604.2); short protein forms W945C.
Identifiers: ClinVar variation 4680893 (VCV004680893.1).